The following is an entry in ClinVar:

NM_014000.3(VCL):c.3163C>T (p.Arg1055Ter)

Gene: VCL (vinculin; plus strand). Cytogenetic location: 10q22.2.
Variant type: single nucleotide variant.
Coding change: c.3163C>T on transcript NM_014000.3 (MANE Select); coding-DNA position 3163, C replaced by T.
Protein change: p.Arg1055Ter; replaces arginine 1055 with a stop codon.
Molecular consequence: nonsense.
Genome position (GRCh38, 1-based): chr10:74,114,804, C>T. VCF-style: chr10-74114804-C-T. GRCh37 (hg19) VCF-style: chr10-75874562-C-T.
Other names: c.2959C>T, p.Arg987Ter (NM_003373.4); short protein forms R1055*, R987*.
Identifiers: ClinVar variation 179831 (VCV000179831.11), dbSNP rs727505159, ClinGen allele CA273659.

ClinVar aggregate classification (germline): Uncertain significance. Review status: criteria provided, multiple submitters, no conflicts (2 of 4 stars). 4 submissions from 4 submitters: Uncertain significance (4). Last evaluated 2026-01-12.

Conditions:
Dilated cardiomyopathy 1W (CMD1W). Identifiers: Orphanet 154, MedGen C1969639, MONDO:0012667, OMIM 611407.
Cardiovascular phenotype. Identifiers: MedGen CN230736.

Allele frequency attached by ClinVar (database versions not stated): gnomAD exomes below 0.00001.
gnomAD v4.1: 1 of 1,605,572 alleles (0.000062%); highest among the groups gnomAD compares: Non-Finnish European, 0.000085%; no homozygotes.

Submissions (4):

Ambry Genetics
Classification: Uncertain significance for Cardiovascular phenotype. Last evaluated: 2026-01-12. Review status: criteria provided, single submitter. Criteria: Ambry Variant Classification Scheme 2023. Collection method: clinical testing. Allele origin: germline.
Comment: The p.R1055* variant (also known as c.3163C>T), located in coding exon 21 of the VCL gene, results from a C to T substitution at nucleotide position 3163. This changes the amino acid from an arginine to a stop codon within coding exon 21. This variant was reported in individual(s) with features consistent with dilated cardiomyopathy (DCM) (Hawley MH et al. Hum Mutat, 2020 Sep;41:1577-1587; Burstein DS et al. Pediatr Res, 2021 May;89:1470-1476). This alteration is expected to result in protein truncation or nonsense-mediated mRNA decay. However, loss of function has not been established as a mechanism of disease. Based on the available evidence, the clinical significance of this alteration remains unclear.

Labcorp Genetics (formerly Invitae), Labcorp
Classification: Uncertain significance for Dilated cardiomyopathy 1W. Last evaluated: 2023-05-31. Review status: criteria provided, single submitter. Criteria: Invitae Variant Classification Sherloc (09022015). Collection method: clinical testing. Allele origin: germline.
Comment: In summary, the available evidence is currently insufficient to determine the role of this variant in disease. Therefore, it has been classified as a Variant of Uncertain Significance. ClinVar contains an entry for this variant (Variation ID: 179831). This premature translational stop signal has been observed in individual(s) with dilated cardiomyopathy (PMID: 32516855, 32746448). This variant is not present in population databases (gnomAD no frequency). This sequence change creates a premature translational stop signal (p.Arg1055*) in the VCL gene. It is expected to result in an absent or disrupted protein product. However, the current clinical and genetic evidence is not sufficient to establish whether loss-of-function variants in VCL cause disease.

GeneDx
Classification: Uncertain significance. Last evaluated: 2018-04-17. Review status: criteria provided, single submitter. Criteria: GeneDx Variant Classification (06012015). Collection method: clinical testing. Allele origin: germline. Affected: yes.
Comment: A variant of uncertain significance has been identified in the VCL gene. The R1055X variant has not been published as pathogenic or been reported as benign to our knowledge. The R1055X variant is not observed in large population cohorts (Lek et al., 2016). This variant is predicted to cause loss of normal protein function either by protein truncation or nonsense-mediated mRNA decay. However, no other nonsense variants in the VCL gene have been reported as definitively disease-causing variants in Human Gene Mutation Database in association with cardiomyopathy (Stenson et al., 2014). While heterozygous VCL knockout mice (VCL+/-) are viable and lack gross cardiac abnormalities, they appear to be predisposed to cardiac failure when challenged with increased hemodynamic loading, as assessed by transverse aortic constriction (Zemljic-Harpf et al., 2004). Furthermore, cardiomyocyte membrane cortical stiffness was significantly decreased in mice with cardiomyocyte-specific inactivation of one VCL allele, and normal membrane stiffness was rescued when vinculin expression was restored (Tangney et al., 2013). Nevertheless, the role of these phenomena in the development of cardiomyopathy in humans is unclear. Therefore, based on the currently available information, it is unclear whether this variant is pathogenic or rare benign.

Laboratory for Molecular Medicine, Mass General Brigham Personalized Medicine
Classification: Uncertain significance. Last evaluated: 2017-10-23. Review status: criteria provided, single submitter. Criteria: LMM Criteria. Collection method: clinical testing. Allele origin: germline. Observed: 2 variant alleles.
Comment: Variant classified as Uncertain Significance - Favor Pathogenic. The p.Arg1055X variant in VCL has been previously identified by our laboratory in one individua l with infantile-onset DCM and one individual with possible early signs of DCM. This nonsense variant leads to a premature termination codon at position 1055, w hich is predicted to lead to a truncated or absent protein. Mouse models have sh own that loss of function of the VCL gene leads to cardiac dysfunction, includin g dilated cardiomyopathy (DCM) (Zemljic-Harpf 2007). Heterozygous loss-of-functi on variants in VCL have been identified in several individuals in our laboratory , many of whom had early onset DCM; however, these variants have also been ident ified in unaffected family members and family members with later onset disease ( LMM, unpublished data). In summary, although there is some evidence suggesting a n association between truncating variants in VCL and DCM, there is not currently enough information to determine the strength of this association or to clearly delineate a mode of inheritance. Therefore, this variant is classified as uncert ain significance. ACMG/AMP Criteria applied: PM2 (Richards 2015).

Literature cited by the submitters: PubMed 32516855 (cited by Ambry Genetics and Labcorp Genetics (formerly Invitae), Labcorp); PubMed 32746448 (cited by Ambry Genetics and Labcorp Genetics (formerly Invitae), Labcorp).